The following is an entry in ClinVar:

ClinVar aggregate classification (germline): Uncertain significance (1 of 4 stars; one submission).

Allele frequency attached by ClinVar (database versions not stated): gnomAD 0.00001; gnomAD exomes 0.00001; TOPMed 0.00001.
gnomAD v4.1: 11 of 1,613,568 alleles (0.00068%); highest among the groups gnomAD compares: Non-Finnish European, 0.00085%; no homozygotes.

Submission:

CeGaT Center for Human Genetics Tuebingen
Classification: Uncertain significance. Last evaluated: 2023-04-01. Review status: criteria provided, single submitter. Criteria: CeGaT Center For Human Genetics Tuebingen Variant Classification Criteria Version 2. Collection method: clinical testing. Allele origin: germline. Affected: yes. Observed: 1 variant allele.
Comment: ADGRV1: PM2, BP4

NM_032119.4(ADGRV1):c.15301G>A (p.Gly5101Arg)

Gene: ADGRV1 (adhesion G protein-coupled receptor V1; plus strand). Cytogenetic location: 5q14.3.
Variant type: single nucleotide variant.
Coding change: c.15301G>A on transcript NM_032119.4 (MANE Select); coding-DNA position 15301, G replaced by A.
Protein change: p.Gly5101Arg; replaces glycine 5101 with arginine.
Molecular consequence: missense variant. On other transcripts: non-coding transcript variant (1).
Genome position (GRCh38, 1-based): chr5:90,810,561, G>A. VCF-style: chr5-90810561-G-A. GRCh37 (hg19) VCF-style: chr5-90106378-G-A.
Other names: short protein forms G5101R.
Identifiers: ClinVar variation 2655590 (VCV002655590.24), dbSNP rs41305904, ClinGen allele CA122821576.